The following is an entry in ClinVar:

ClinVar aggregate classification (germline): Pathogenic. Review status: reviewed by expert panel (3 of 4 stars). 4 submissions from 4 submitters: Pathogenic (1). 3 of the submissions do not count toward it. Last evaluated 2023-08-29.

Conditions:
CDH1-related diffuse gastric and lobular breast cancer syndrome. Also called: CDH1-related diffuse gastric and lobular breast cancer. Identifiers: MedGen CN311521, MONDO:0100488.
Hereditary cancer-predisposing syndrome. Also called: Hereditary Cancer Syndrome; Neoplastic Syndromes, Hereditary; Tumor predisposition; Hereditary neoplastic syndrome. Identifiers: Orphanet 140162, MedGen C0027672, MeSH D009386, MONDO:0015356.
Hereditary diffuse gastric adenocarcinoma (HDGC). Also called: DIFFUSE GASTRIC AND LOBULAR BREAST CANCER SYNDROME. Identifiers: Orphanet 26106, MedGen C1708349, MONDO:0007648, OMIM 137215.

Submissions (4):

Clingen Gastric Cancer Variant Curation Expert Panel
Classification: Pathogenic for CDH1-related diffuse gastric and lobular breast cancer syndrome. Last evaluated: 2023-08-29. Review status: reviewed by expert panel. Criteria: ClinGen CDH1 ACMG Specifications V3.1. Collection method: curation. Allele origin: germline. Inheritance: Autosomal dominant inheritance.
Comment: The c.124_126delCCCinsT (p.Pro42Serfs*16) variant is predicted to result in a premature stop codon that leads to a truncated or absent protein (PVS1, PM5_Supporting). The variant is absent in the gnomAD cohort (PM2_Supporting). This variant has been reported in at least one family meeting HDGC clinical criteria (PS4_Supporting; PMID 30745422). In summary, this variant meets criteria to be classified as pathogenic based on the ACMG/AMP criteria applied as specified by the CDH1 Variant Curation Expert Panel (Variant Interpretation Guidelines Version 3.1): PVS1, PM2_Supporting, PS4_Supporting, PM5_Supporting.

Labcorp Genetics (formerly Invitae), Labcorp
Classification: Pathogenic for Hereditary diffuse gastric adenocarcinoma. Last evaluated: 2023-08-30. Review status: criteria provided, single submitter. Criteria: Invitae Variant Classification Sherloc (09022015). Collection method: clinical testing. Allele origin: germline. Not counted in ClinVar's aggregate classification.
Comment: For these reasons, this variant has been classified as Pathogenic. This premature translational stop signal has been observed in individual(s) with clinical features of hereditary diffuse gastric cancer syndrome (PMID: 30745422, 31296550). This variant is not present in population databases (gnomAD no frequency). This sequence change creates a premature translational stop signal (p.Pro42Serfs*16) in the CDH1 gene. It is expected to result in an absent or disrupted protein product. Loss-of-function variants in CDH1 are known to be pathogenic (PMID: 15235021, 20373070).

Myriad Genetics, Inc.
Classification: Pathogenic for Hereditary diffuse gastric adenocarcinoma. Last evaluated: 2023-06-08. Review status: criteria provided, single submitter. Criteria: Myriad Autosomal Dominant, Autosomal Recessive and X-Linked Classification Criteria (2023). Collection method: clinical testing. Allele origin: unknown. Not counted in ClinVar's aggregate classification.
Comment: This variant is considered pathogenic. This variant creates a frameshift predicted to result in premature protein truncation.

Ambry Genetics
Classification: Pathogenic for Hereditary cancer-predisposing syndrome. Last evaluated: 2022-03-09. Review status: criteria provided, single submitter. Criteria: Ambry Variant Classification Scheme 2023. Collection method: clinical testing. Allele origin: germline. Not counted in ClinVar's aggregate classification.
Comment: The c.124_126delCCCinsT pathogenic mutation, located in coding exon 2 of the CDH1 gene, results from the deletion of 3 nucleotides and insertion of one nucleotide causing a translational frameshift with a predicted alternate stop codon (p.P42Sfs*16). This alteration is expected to result in loss of function by premature protein truncation or nonsense-mediated mRNA decay. As such, this alteration is interpreted as a disease-causing mutation.

Literature cited by the submitters: PubMed 30745422 (cited by Clingen Gastric Cancer Variant Curation Expert Panel and Labcorp Genetics (formerly Invitae), Labcorp); PubMed 31296550 (cited by Labcorp Genetics (formerly Invitae), Labcorp); PubMed 15235021 (cited by Labcorp Genetics (formerly Invitae), Labcorp); PubMed 20373070 (cited by Labcorp Genetics (formerly Invitae), Labcorp).

NM_004360.5(CDH1):c.124_126delinsT (p.Pro42fs)

Gene: CDH1 (cadherin 1; plus strand). Cytogenetic location: 16q22.1.
Variant type: Indel.
Coding change: c.124_126delinsT on transcript NM_004360.5 (MANE Select); coding-DNA positions 124 to 126, CCC replaced by T.
Protein change: p.Pro42fs; shifts the reading frame from proline 42.
Molecular consequence: frameshift variant. On other transcripts: 5 prime UTR variant (2).
Genome position (GRCh38, 1-based): chr16:68,738,372-68,738,374, CCC replaced by T. VCF-style: chr16-68738372-CCC-T. GRCh37 (hg19) VCF-style: chr16-68772275-CCC-T.
Other names: c.124_126delCCCinsT (LRG_301t1); c.124_126delinsT, p.Pro42fs (NM_001317184.2); c.-1492_-1490delinsT (NM_001317185.2); c.-1696_-1694delinsT (NM_001317186.2); c.124_126delinsT (NM_004360.3); short protein forms P42fs.
Identifiers: ClinVar variation 230956 (VCV000230956.17), dbSNP rs876658865, ClinGen allele CA10580072.